The following is an entry in ClinVar:

NM_005956.4(MTHFD1):c.1040T>C (p.Leu347Ser)

Gene: MTHFD1 (methylenetetrahydrofolate dehydrogenase, cyclohydrolase and formyltetrahydrofolate synthetase 1; plus strand). Cytogenetic location: 14q23.3.
Variant type: single nucleotide variant.
Coding change: c.1040T>C on transcript NM_005956.4 (MANE Select); coding-DNA position 1040, T replaced by C.
Protein change: p.Leu347Ser; replaces leucine 347 with serine.
Molecular consequence: missense variant.
Genome position (GRCh38, 1-based): chr14:64,426,105, T>C. VCF-style: chr14-64426105-T-C. GRCh37 (hg19) VCF-style: chr14-64892823-T-C.
Other names: c.1040T>C, p.Leu347Ser (NM_001364837.1); short protein forms L347S.
Identifiers: ClinVar variation 1007577 (VCV001007577.6), dbSNP rs1173423035, ClinGen allele CA389986781.

ClinVar aggregate classification (germline): Uncertain significance (1 of 4 stars; one submission).

Allele frequency attached by ClinVar (database versions not stated): gnomAD exomes below 0.00001; TOPMed below 0.00001.
gnomAD v4.1: 2 of 1,614,094 alleles (0.00012%); highest among the groups gnomAD compares: Admixed American, 0.0033%; no homozygotes.

Submission:

Labcorp Genetics (formerly Invitae), Labcorp
Classification: Uncertain significance. Last evaluated: 2024-02-19. Review status: criteria provided, single submitter. Criteria: Invitae Variant Classification Sherloc (09022015). Collection method: clinical testing. Allele origin: germline.
Comment: This sequence change replaces leucine, which is neutral and non-polar, with serine, which is neutral and polar, at codon 347 of the MTHFD1 protein (p.Leu347Ser). This variant is present in population databases (no rsID available, gnomAD 0.003%). This variant has not been reported in the literature in individuals affected with MTHFD1-related conditions. ClinVar contains an entry for this variant (Variation ID: 1007577). Advanced modeling of protein sequence and biophysical properties (such as structural, functional, and spatial information, amino acid conservation, physicochemical variation, residue mobility, and thermodynamic stability) performed at Invitae indicates that this missense variant is not expected to disrupt MTHFD1 protein function with a negative predictive value of 80%. In summary, the available evidence is currently insufficient to determine the role of this variant in disease. Therefore, it has been classified as a Variant of Uncertain Significance.